The following is an entry in ClinVar:

ClinVar aggregate classification (germline): Uncertain significance. Review status: criteria provided, multiple submitters, no conflicts (2 of 4 stars). 2 submissions from 2 submitters: Uncertain significance (2). Last evaluated 2022-01-04.

Conditions:
Inborn genetic diseases. Identifiers: MedGen C0950123, MeSH D030342.
Evans syndrome, immunodeficiency, and premature immunosenescence associated with tripeptidyl-peptidase II deficiency. Identifiers: MedGen CN231723. Disease mechanism: loss of function.

Allele frequency attached by ClinVar (database versions not stated): gnomAD exomes below 0.00001; TOPMed below 0.00001.
gnomAD v4.1: 5 of 1,613,140 alleles (0.00031%); highest among the groups gnomAD compares: Non-Finnish European, 0.00034%; no homozygotes.

Submissions (2):

Ambry Genetics
Classification: Uncertain significance for Inborn genetic diseases. Last evaluated: 2022-01-04. Review status: criteria provided, single submitter. Criteria: Ambry Variant Classification Scheme 2023. Collection method: clinical testing. Allele origin: germline.

Labcorp Genetics (formerly Invitae), Labcorp
Classification: Uncertain significance for Evans syndrome, immunodeficiency, and premature immunosenescence associated with tripeptidyl-peptidase II deficiency. Last evaluated: 2021-05-18. Review status: criteria provided, single submitter. Criteria: Invitae Variant Classification Sherloc (09022015). Collection method: clinical testing. Allele origin: germline.
Comment: Algorithms developed to predict the effect of missense changes on protein structure and function are either unavailable or do not agree on the potential impact of this missense change (SIFT: "Deleterious"; PolyPhen-2: "Probably Damaging"; Align-GVGD: "Class C0"). In summary, the available evidence is currently insufficient to determine the role of this variant in disease. Therefore, it has been classified as a Variant of Uncertain Significance. This variant has not been reported in the literature in individuals with TPP2-related conditions. This variant is not present in population databases (ExAC no frequency). This sequence change replaces proline with threonine at codon 106 of the TPP2 protein (p.Pro106Thr). The proline residue is highly conserved and there is a small physicochemical difference between proline and threonine.

NM_001330588.2(TPP2):c.316C>A (p.Pro106Thr)

Gene: TPP2 (tripeptidyl peptidase 2; plus strand). Cytogenetic location: 13q33.1.
Variant type: single nucleotide variant.
Coding change: c.316C>A on transcript NM_001330588.2 (MANE Select); coding-DNA position 316, C replaced by A.
Protein change: p.Pro106Thr; replaces proline 106 with threonine.
Molecular consequence: missense variant. On other transcripts: non-coding transcript variant (1).
Genome position (GRCh38, 1-based): chr13:102,614,122, C>A. VCF-style: chr13-102614122-C-A. GRCh37 (hg19) VCF-style: chr13-103266472-C-A.
Other names: c.316C>A, p.Pro106Thr (NM_001367947.1, NM_003291.4); c.316C>A (NM_003291.2); short protein forms P106T.
Identifiers: ClinVar variation 1504845 (VCV001504845.9), dbSNP rs1157544061, ClinGen allele CA388472164.